The following is an entry in ClinVar:

ClinVar aggregate classification (germline): Likely benign (0 of 4 stars; one submission).

Conditions:
CAMK2G-related disorder. Also called: CAMK2G-related condition.

Allele frequency attached by ClinVar (database versions not stated): ExAC 0.00003; gnomAD 0.00004; TOPMed 0.00005; gnomAD exomes 0.00006.
gnomAD v4.1: 87 of 1,611,352 alleles (0.0054%); highest among the groups gnomAD compares: Admixed American, 0.012%; no homozygotes.

Submission:

PreventionGenetics, part of Exact Sciences
Classification: Likely benign for CAMK2G-related condition. Last evaluated: 2019-10-28. Review status: no assertion criteria provided. Collection method: clinical testing. Allele origin: germline.
Comment: This variant is classified as likely benign based on ACMG/AMP sequence variant interpretation guidelines (Richards et al. 2015 PMID: 25741868, with internal and published modifications).

NM_001367534.1(CAMK2G):c.141C>G (p.Thr47=)

Gene: CAMK2G (calcium/calmodulin dependent protein kinase II gamma; minus strand). Cytogenetic location: 10q22.2.
Variant type: single nucleotide variant.
Coding change: c.141C>G on transcript NM_001367534.1 (MANE Select); coding-DNA position 141, C replaced by G.
Protein change: p.Thr47=; no amino-acid change (threonine 47 retained).
Molecular consequence: synonymous variant. On other transcripts: 5 prime UTR variant (6), non-coding transcript variant (7).
Genome position (GRCh38, 1-based): chr10:73,873,008, G>C on the plus strand (C>G on the coding strand, the complement: CAMK2G is on the minus strand). VCF-style: chr10-73873008-G-C. GRCh37 (hg19) VCF-style: chr10-75632766-G-C.
Other names: c.141C>G, p.Thr47= (NM_001204492.2, NM_001222.4, NM_001320898.2 and 28 more transcripts); c.117C>G, p.Thr39= (NM_001367514.1, NM_001367525.1, NM_001367532.1); c.-51C>G (NM_001367524.1, NM_001367537.1, NM_001367538.1 and 1 more transcripts); c.-431C>G (NM_001367540.1); c.-613C>G (NM_001367542.1).
Identifiers: ClinVar variation 3045737 (VCV003045737.2), dbSNP rs774447392, ClinGen allele CA5562153.